The following is an entry in ClinVar:

ClinVar aggregate classification (germline): Uncertain significance (1 of 4 stars; one submission).

Conditions:
Inborn genetic diseases. Identifiers: MedGen C0950123, MeSH D030342.

Allele frequency attached by ClinVar (database versions not stated): gnomAD exomes 0.00001.
gnomAD v4.1: 8 of 1,614,100 alleles (0.0005%); highest among the groups gnomAD compares: Non-Finnish European, 0.00068%; no homozygotes.

Submission:

Ambry Genetics
Classification: Uncertain significance for Inborn genetic diseases. Last evaluated: 2023-03-31. Review status: criteria provided, single submitter. Criteria: Ambry Variant Classification Scheme 2023. Collection method: clinical testing. Allele origin: germline.
Comment: The p.D57N variant (also known as c.169G>A), located in coding exon 2 of the MDH2 gene, results from a G to A substitution at nucleotide position 169. The aspartic acid at codon 57 is replaced by asparagine, an amino acid with highly similar properties. This amino acid position is conserved. In addition, the in silico prediction for this alteration is inconclusive. Since supporting evidence is limited at this time, the clinical significance of this alteration remains unclear.

NM_005918.4(MDH2):c.169G>A (p.Asp57Asn)

Gene: MDH2 (malate dehydrogenase 2; plus strand). Cytogenetic location: 7q11.23.
Variant type: single nucleotide variant.
Coding change: c.169G>A on transcript NM_005918.4 (MANE Select); coding-DNA position 169, G replaced by A.
Protein change: p.Asp57Asn; replaces aspartic acid 57 with asparagine.
Molecular consequence: missense variant. On other transcripts: intron variant (1).
Genome position (GRCh38, 1-based): chr7:76,054,932, G>A. VCF-style: chr7-76054932-G-A. GRCh37 (hg19) VCF-style: chr7-75684250-G-A.
Other names: c.169G>A, p.Asp57Asn (NM_001282403.2); c.-86-2478G>A (NM_001282404.2); short protein forms D57N.
Identifiers: ClinVar variation 2561520 (VCV002561520.2), dbSNP rs1554585997, ClinGen allele CA367762526.
Genomic context (GRCh38, chr7:76,054,932, plus strand): 5'-GGGCAGCCACTTTCACTTCTCCTGAAGAACAGCCCCTTGGTGAGCCGCCTGACCCTCTAT[G>A]ATATCGCGCACACACCCGGAGTGGCCGCAGATCTGAGCCACATCGAGACCAAAGCCGCTG-3'
Protein context (NP_005909.2, residues 47-67): SPLVSRLTLY[Asp57Asn]IAHTPGVAAD